The following is an entry in ClinVar:

ClinVar aggregate classification (germline): Uncertain significance (1 of 4 stars; one submission).

Conditions:
Neurodevelopmental disorder with dysmorphic facies and thin corpus callosum. Identifiers: MedGen C5551361, MONDO:0859179, OMIM 619480.

Submission:

OLLIN Analises Genomicas, OLLIN
Classification: Uncertain significance for Neurodevelopmental disorder with dysmorphic facies and thin corpus callosum. Last evaluated: 2026-02-13. Review status: criteria provided, single submitter. Criteria: ACMG Guidelines 2015 PMID 25741868. Collection method: clinical testing. Allele origin: germline. Observed: 1 variant allele.
Comment: PM2_P

NM_007192.4(SUPT16H):c.2920+1G>A

Gene: SUPT16H (SPT16 homolog, facilitates chromatin remodeling subunit; minus strand). Cytogenetic location: 14q11.2.
Variant type: single nucleotide variant.
Coding change: c.2920+1G>A on transcript NM_007192.4 (MANE Select); the canonical splice donor site of the intron after coding-DNA position 2920, G replaced by A.
Molecular consequence: splice donor variant.
Genome position (GRCh38, 1-based): chr14:21,353,702, C>T on the plus strand (G>A on the coding strand, the complement: SUPT16H is on the minus strand). VCF-style: chr14-21353702-C-T. GRCh37 (hg19) VCF-style: chr14-21821861-C-T.
Identifiers: ClinVar variation 4814109 (VCV004814109.1).